The following is an entry in ClinVar:

ClinVar aggregate classification (germline): Uncertain significance (1 of 4 stars; one submission).

Conditions:
Developmental and epileptic encephalopathy, 8 (DEE8). Also called: HYPEREKPLEXIA AND EPILEPSY. Identifiers: Orphanet 163985, Orphanet 2076, MedGen C1845102, MONDO:0010375, OMIM 300607.

Submission:

Labcorp Genetics (formerly Invitae), Labcorp
Classification: Uncertain significance for Developmental and epileptic encephalopathy, 8. Last evaluated: 2020-02-27. Review status: criteria provided, single submitter. Criteria: Invitae Variant Classification Sherloc (09022015). Collection method: clinical testing. Allele origin: germline.
Comment: This sequence change replaces glutamine with glutamic acid at codon 228 of the ARHGEF9 protein (p.Gln228Glu). The glutamine residue is highly conserved and there is a small physicochemical difference between glutamine and glutamic acid. This variant is not present in population databases (ExAC no frequency). This variant has not been reported in the literature in individuals with ARHGEF9-related conditions. Algorithms developed to predict the effect of missense changes on protein structure and function are either unavailable or do not agree on the potential impact of this missense change (SIFT: "Deleterious"; PolyPhen-2: "Possibly Damaging"; Align-GVGD: "Class C0"). In summary, the available evidence is currently insufficient to determine the role of this variant in disease. Therefore, it has been classified as a Variant of Uncertain Significance.

NM_001353921.2(ARHGEF9):c.703C>G (p.Gln235Glu)

Gene: ARHGEF9 (Cdc42 guanine nucleotide exchange factor 9; minus strand). Cytogenetic location: Xq11.1.
Variant type: single nucleotide variant.
Coding change: c.703C>G on transcript NM_001353921.2 (MANE Select); coding-DNA position 703, C replaced by G.
Protein change: p.Gln235Glu; replaces glutamine 235 with glutamic acid.
Molecular consequence: missense variant.
Genome position (GRCh38, 1-based): chrX:63,678,452, G>C on the plus strand (C>G on the coding strand, the complement: ARHGEF9 is on the minus strand). VCF-style: chrX-63678452-G-C. GRCh37 (hg19) VCF-style: chrX-62898332-G-C.
Other names: c.523C>G, p.Gln175Glu (NM_001173479.2); c.376C>G, p.Gln126Glu (NM_001173480.2, NM_001369042.1); c.619C>G, p.Gln207Glu (NM_001330495.2, NM_001353927.2, NM_001369033.1 and 8 more transcripts); c.703C>G, p.Gln235Glu (NM_001353922.2); c.721C>G, p.Gln241Glu (NM_001353923.1); c.502C>G, p.Gln168Glu (NM_001353924.2, NM_001353926.2, NM_001369039.1 and 1 more transcripts); c.682C>G, p.Gln228Glu (NM_001353928.2, NM_001369030.1, NM_001369031.1 and 2 more transcripts); c.268C>G, p.Gln90Glu (NM_001369045.1); short protein forms Q126E, Q168E, Q175E, Q207E, Q228E, Q235E, Q241E, Q90E.
Identifiers: ClinVar variation 1008374 (VCV001008374.9), dbSNP rs2050408893, ClinGen allele CA413406482.